The following is an entry in ClinVar:

NM_003366.4(UQCRC2):c.420C>G (p.Val140=)

Genes: UQCRC2 (ubiquinol-cytochrome c reductase core protein 2), PDZD9 (PDZ domain containing 9). Cytogenetic location: 16p12.2.
Variant type: single nucleotide variant.
Coding change: c.420C>G on transcript NM_003366.4 (MANE Select); coding-DNA position 420, C replaced by G.
Protein change: p.Val140=; no amino-acid change (valine 140 retained).
Molecular consequence: synonymous variant.
Genome position (GRCh38, 1-based): chr16:21,962,791, C>G. VCF-style: chr16-21962791-C-G. GRCh37 (hg19) VCF-style: chr16-21974112-C-G.
Other names: c.420C>G (NM_003366.3).
Identifiers: ClinVar variation 383046 (VCV000383046.21), dbSNP rs147128094, ClinGen allele CA7953749.

ClinVar aggregate classification (germline): Likely benign. Review status: criteria provided, multiple submitters, no conflicts (2 of 4 stars). 4 submissions from 4 submitters: Likely benign (3). 1 of the submissions does not count toward it. Last evaluated 2025-10-21.

Conditions:
UQCRC2-related disorder. Also called: UQCRC2-related condition.

Allele frequency attached by ClinVar (database versions not stated): gnomAD exomes 0.00014 and 0.00019; gnomAD 0.00015 and 0.00017; ExAC 0.00016; TOPMed 0.00019; 1000 Genomes Project 0.00020; ESP Exome Variant Server 0.00023; 1000 Genomes Project 30x 0.00031.
gnomAD v4.1: 228 of 1,614,082 alleles (0.014%); highest among the groups gnomAD compares: Middle Eastern, 0.13%; 2 homozygotes.

Submissions (4):

Labcorp Genetics (formerly Invitae), Labcorp
Classification: Likely benign. Last evaluated: 2025-10-21. Review status: criteria provided, single submitter. Criteria: Invitae Variant Classification Sherloc (09022015). Collection method: clinical testing. Allele origin: germline.

CeGaT Center for Human Genetics Tuebingen
Classification: Likely benign. Last evaluated: 2025-05-01. Review status: criteria provided, single submitter. Criteria: CeGaT Center For Human Genetics Tuebingen Variant Classification Criteria Version 2. Collection method: clinical testing. Allele origin: germline. Affected: yes. Observed: 1 variant allele.
Comment: UQCRC2: BP4, BP7

GeneDx
Classification: Likely benign. Last evaluated: 2017-05-11. Review status: criteria provided, single submitter. Criteria: GeneDx Variant Classification (06012015). Collection method: clinical testing. Allele origin: germline. Affected: yes.
Comment: This variant is considered likely benign or benign based on one or more of the following criteria: it is a conservative change, it occurs at a poorly conserved position in the protein, it is predicted to be benign by multiple in silico algorithms, and/or has population frequency not consistent with disease.

PreventionGenetics, part of Exact Sciences
Classification: Likely benign for UQCRC2-related condition. Last evaluated: 2020-02-25. Review status: no assertion criteria provided. Collection method: clinical testing. Allele origin: germline. Not counted in ClinVar's aggregate classification.
Comment: This variant is classified as likely benign based on ACMG/AMP sequence variant interpretation guidelines (Richards et al. 2015 PMID: 25741868, with internal and published modifications).